The following is an entry in ClinVar:

ClinVar aggregate classification (germline): Uncertain significance (1 of 4 stars; one submission).

Conditions:
ALMS1-related disorder. Also called: ALMS1-related condition.

Submission:

PreventionGenetics, part of Exact Sciences
Classification: Uncertain significance for ALMS1-related condition. Last evaluated: 2023-12-30. Review status: criteria provided, single submitter. Criteria: ACMG Guidelines, 2015. Collection method: clinical testing. Allele origin: germline.
Comment: The ALMS1 c.6073A>G variant is predicted to result in the amino acid substitution p.Lys2025Glu. To our knowledge, this variant has not been reported in the literature. This variant is reported in 0.010% of alleles in individuals of European (Non-Finnish) descent in gnomAD. At this time, the clinical significance of this variant is uncertain due to the absence of conclusive functional and genetic evidence.

NM_001378454.1(ALMS1):c.6070A>G (p.Lys2024Glu)

Gene: ALMS1 (ALMS1 centrosome and basal body associated protein; plus strand). Cytogenetic location: 2p13.1.
Variant type: single nucleotide variant.
Coding change: c.6070A>G on transcript NM_001378454.1 (MANE Select); coding-DNA position 6070, A replaced by G.
Protein change: p.Lys2024Glu; replaces lysine 2024 with glutamic acid.
Molecular consequence: missense variant.
Genome position (GRCh38, 1-based): chr2:73,452,597, A>G. VCF-style: chr2-73452597-A-G. GRCh37 (hg19) VCF-style: chr2-73679724-A-G.
Other names: c.6073A>G, p.Lys2025Glu (NM_015120.4); short protein forms K2025E, K2024E.
Identifiers: ClinVar variation 337019 (VCV000337019.6), dbSNP rs886056307, ClinGen allele CA10614376.
Genomic context (GRCh38, chr2:73,452,597, plus strand): 5'-CCAGATGACCAGAAAACTGAGTTTCCAGCAGCTACCCTTAGTTCCTACTCACAAATAGAG[A>G]AGCCCAAGATTTCAACTGTGATTGGACCAAATGACCAGAAGACTCCATCCCAGACAGCTT-3'
Protein context (NP_001365383.1, residues 2014-2034): ATLSSYSQIE[Lys2024Glu]PKISTVIGPN